The following is an entry in ClinVar:

NM_013432.5(TONSL):c.382G>A (p.Asp128Asn)

Gene: TONSL (tonsoku like, DNA repair protein; minus strand). Cytogenetic location: 8q24.3.
Variant type: single nucleotide variant.
Coding change: c.382G>A on transcript NM_013432.5 (MANE Select); coding-DNA position 382, G replaced by A.
Protein change: p.Asp128Asn; replaces aspartic acid 128 with asparagine.
Molecular consequence: missense variant.
Genome position (GRCh38, 1-based): chr8:144,443,204, C>T on the plus strand (G>A on the coding strand, the complement: TONSL is on the minus strand). VCF-style: chr8-144443204-C-T. GRCh37 (hg19) VCF-style: chr8-145668587-C-T.
Other names: short protein forms D128N.
Identifiers: ClinVar variation 2135577 (VCV002135577.4), dbSNP rs2537509278, ClinGen allele CA372679043.
Genomic context (GRCh38, chr8:144,443,204, plus strand): 5'-GCTCCTCATCCACAATAGCCAAGCTCTTCTCAAAGGCAGCCTGTGCCTGCAGCAAAGCAT[C>T]CCTCGACTGGCAGTGGTCATAGATGTCCAGGTGGGTGCGGCCGATGGTGGCCCAGGCCCT-3'
Protein context (NP_038460.4, residues 118-138): LDIYDHCQSR[Asp128Asn]ALLQAQAAFE

ClinVar aggregate classification (germline): Uncertain significance (1 of 4 stars; one submission).

Submission:

Labcorp Genetics (formerly Invitae), Labcorp
Classification: Uncertain significance. Last evaluated: 2023-02-23. Review status: criteria provided, single submitter. Criteria: Invitae Variant Classification Sherloc (09022015). Collection method: clinical testing. Allele origin: germline.
Comment: This variant has not been reported in the literature in individuals affected with TONSL-related conditions. In summary, the available evidence is currently insufficient to determine the role of this variant in disease. Therefore, it has been classified as a Variant of Uncertain Significance. Advanced modeling of protein sequence and biophysical properties (such as structural, functional, and spatial information, amino acid conservation, physicochemical variation, residue mobility, and thermodynamic stability) has been performed at Invitae for this missense variant, however the output from this modeling did not meet the statistical confidence thresholds required to predict the impact of this variant on TONSL protein function. This variant is not present in population databases (gnomAD no frequency). This sequence change replaces aspartic acid, which is acidic and polar, with asparagine, which is neutral and polar, at codon 128 of the TONSL protein (p.Asp128Asn).